The following is an entry in ClinVar:

NM_005732.4(RAD50):c.238G>A (p.Ala80Thr)

Gene: RAD50 (RAD50 double strand break repair protein; plus strand). Cytogenetic location: 5q31.1.
Variant type: single nucleotide variant.
Coding change: c.238G>A on transcript NM_005732.4 (MANE Select); coding-DNA position 238, G replaced by A.
Protein change: p.Ala80Thr; replaces alanine 80 with threonine.
Molecular consequence: missense variant.
Genome position (GRCh38, 1-based): chr5:132,575,801, G>A. VCF-style: chr5-132575801-G-A. GRCh37 (hg19) VCF-style: chr5-131911493-G-A.
Other names: short protein forms A80T.
Identifiers: ClinVar variation 1467550 (VCV001467550.6), dbSNP rs2149836367, ClinGen allele CA360930309.

ClinVar aggregate classification (germline): Uncertain significance (1 of 4 stars; one submission).

Conditions:
Hereditary cancer-predisposing syndrome. Also called: Tumor predisposition; Hereditary Cancer Syndrome; Hereditary neoplastic syndrome; Neoplastic Syndromes, Hereditary. Identifiers: Orphanet 140162, MedGen C0027672, MeSH D009386, MONDO:0015356.

Submission:

Labcorp Genetics (formerly Invitae), Labcorp
Classification: Uncertain significance for Hereditary cancer-predisposing syndrome. Last evaluated: 2021-09-10. Review status: criteria provided, single submitter. Criteria: Invitae Variant Classification Sherloc (09022015). Collection method: clinical testing. Allele origin: germline.
Comment: This sequence change replaces alanine with threonine at codon 80 of the RAD50 protein (p.Ala80Thr). The alanine residue is highly conserved and there is a small physicochemical difference between alanine and threonine. In summary, the available evidence is currently insufficient to determine the role of this variant in disease. Therefore, it has been classified as a Variant of Uncertain Significance. Algorithms developed to predict the effect of missense changes on protein structure and function (SIFT, PolyPhen-2, Align-GVGD) all suggest that this variant is likely to be disruptive. This variant has not been reported in the literature in individuals affected with RAD50-related conditions. This variant is not present in population databases (ExAC no frequency).